The following is an entry in ClinVar:

ClinVar aggregate classification (germline): Uncertain significance (1 of 4 stars; one submission).

Conditions:
Mucopolysaccharidosis, MPS-II (MPS2). Also called: Hunter Syndrome; IDS deficiency; Sulfoiduronate sulfatase deficiency; SIDS deficiency; Mucopolysaccharidosis type 2; IDURONATE 2-SULFATASE DEFICIENCY. Identifiers: Orphanet 580, Orphanet 79388, MedGen C0026705, MONDO:0010674, OMIM 309900.

Submissions (2):

Labcorp Genetics (formerly Invitae), Labcorp
Classification: Uncertain significance for Mucopolysaccharidosis, MPS-II. Last evaluated: 2025-02-04. Review status: criteria provided, single submitter. Criteria: Invitae Variant Classification Sherloc (09022015). Collection method: clinical testing. Allele origin: germline.
Comment: This sequence change affects codon 233 of the IDS mRNA. It is a 'silent' change, meaning that it does not change the encoded amino acid sequence of the IDS protein. This variant is not present in population databases (gnomAD no frequency). This variant has not been reported in the literature in individuals affected with IDS-related conditions. ClinVar contains an entry for this variant (Variation ID: 2020785). Algorithms developed to predict the effect of sequence changes on RNA splicing suggest that this variant may disrupt the consensus splice site. In summary, the available evidence is currently insufficient to determine the role of this variant in disease. Therefore, it has been classified as a Variant of Uncertain Significance.

Dr. Peter K. Rogan Lab, Western University
No classification provided (evidence only). Condition: Nonpapillary renal cell carcinoma. Review status: no classification provided. Collection method: in vitro. Allele origin: not applicable. Functional consequence: retained intron. Not counted in ClinVar's aggregate classification.

NM_000202.8(IDS):c.699A>G (p.Arg233=)

Genes: IDS (iduronate 2-sulfatase; minus strand), LOC106050102 (IDS recombination region; plus strand). Cytogenetic location: Xq28.
Variant type: single nucleotide variant.
Coding change: c.699A>G on transcript NM_000202.8 (MANE Select); coding-DNA position 699, A replaced by G.
Protein change: p.Arg233=; no amino-acid change (arginine 233 retained).
Molecular consequence: synonymous variant. On other transcripts: non-coding transcript variant (1).
Genome position (GRCh38, 1-based): chrX:149,498,116, T>C on the plus strand (A>G on the coding strand, the complement: IDS is on the minus strand). VCF-style: chrX-149498116-T-C. GRCh37 (hg19) VCF-style: chrX-148579647-T-C.
Other names: c.429A>G, p.Arg143= (NM_001166550.4); c.699A>G, p.Arg233= (NM_006123.5).
Identifiers: ClinVar variation 2020785 (VCV002020785.5), dbSNP rs2089450158, ClinGen allele CA519058241.